The following is an entry in ClinVar:

ClinVar aggregate classification (germline): Benign/Likely benign. Review status: criteria provided, multiple submitters, no conflicts (2 of 4 stars). 26 submissions from 25 submitters: Benign (14); Likely benign (5). 7 of the submissions do not count toward it. Last evaluated 2026-09-01.

Conditions:
Familial adenomatous polyposis 2. Also called: Adenomas, multiple colorectal; MUTYH-related attenuated familial adenomatous polyposis; MUTYH Polyposis; COLORECTAL ADENOMATOUS POLYPOSIS, AUTOSOMAL RECESSIVE; ADENOMAS, MULTIPLE COLORECTAL, AUTOSOMAL RECESSIVE; MYH-associated polyposis. Identifiers: Orphanet 220460, Orphanet 247798, MedGen C3272841, MONDO:0012041, OMIM 608456.
Gastric cancer. Also called: Malignant tumor of stomach; Stomach cancer. Identifiers: MedGen C0024623, MeSH D013274, MONDO:0001056, OMIM 613659, HP:0012126.
Hereditary cancer-predisposing syndrome. Also called: Hereditary neoplastic syndrome; Tumor predisposition; Neoplastic Syndromes, Hereditary; Hereditary Cancer Syndrome. Identifiers: Orphanet 140162, MedGen C0027672, MeSH D009386, MONDO:0015356.
Carcinoma of colon (CRC). Also called: Colon carcinoma; Colonic carcinoma. Identifiers: MedGen C0699790, MONDO:0002032.

Allele frequency attached by ClinVar (database versions not stated): gnomAD exomes 0.00260 and 0.00461; ESP Exome Variant Server 0.00415; ExAC 0.00488; TOPMed 0.00560; gnomAD 0.00596; 1000 Genomes Project 30x 0.00968; 1000 Genomes Project 0.01038.
gnomAD v4.1: 4,657 of 1,614,218 alleles (0.29%); highest among the groups gnomAD compares: East Asian, 3.9%; 73 homozygotes.

Submissions (26):

CeGaT Center for Human Genetics Tuebingen
Classification: Benign. Last evaluated: 2026-09-01. Review status: criteria provided, single submitter. Criteria: CeGaT Center For Human Genetics Tuebingen Variant Classification Criteria Version 2. Collection method: clinical testing. Allele origin: germline. Affected: yes. Observed: 29 variant alleles.
Comment: MUTYH: BP4, BP7, BS1, BS2

Labcorp Genetics (formerly Invitae), Labcorp
Classification: Benign for Familial adenomatous polyposis 2. Last evaluated: 2026-02-04. Review status: criteria provided, single submitter. Criteria: Invitae Variant Classification Sherloc (09022015). Collection method: clinical testing. Allele origin: germline.

Mayo Clinic Laboratories, Mayo Clinic
Classification: Likely benign. Last evaluated: 2025-11-21. Review status: criteria provided, single submitter. Criteria: ACMG Guidelines, 2015. Collection method: clinical testing. Allele origin: germline. Observed: 5 variant alleles.
Comment: BS1, BP4_moderate, BP7

Center for Genomic Medicine, Rigshospitalet, Copenhagen University Hospital
Classification: Benign. Last evaluated: 2025-03-04. Review status: criteria provided, single submitter. Criteria: ACMG Guidelines, 2015. Collection method: clinical testing. Allele origin: germline.

Blueprint Genetics
Classification: Likely benign. Last evaluated: 2024-11-25. Review status: criteria provided, single submitter. Criteria: ACMG Guidelines, 2015. Collection method: clinical testing. Allele origin: germline.

ARUP Laboratories, Molecular Genetics and Genomics, ARUP Laboratories
Classification: Benign. Last evaluated: 2023-04-28. Review status: criteria provided, single submitter. Criteria: ARUP Molecular Germline Variant Investigation Process 2024. Collection method: clinical testing. Allele origin: germline.

Institute for Biomarker Research, Medical Diagnostic Laboratories, L.L.C.
Classification: Benign for Hereditary cancer-predisposing syndrome. Last evaluated: 2023-04-11. Review status: criteria provided, single submitter. Criteria: ACMG Guidelines, 2015. Collection method: clinical testing. Allele origin: germline.

Fulgent Genetics
Classification: Benign for Familial adenomatous polyposis 2; Gastric cancer. Last evaluated: 2022-03-17. Review status: criteria provided, single submitter. Criteria: ACMG Guidelines, 2015. Collection method: clinical testing. Allele origin: unknown.

Quest Diagnostics Nichols Institute San Juan Capistrano
Classification: Benign. Last evaluated: 2020-08-31. Review status: criteria provided, single submitter. Criteria: Quest Diagnostics criteria. Collection method: clinical testing. Allele origin: unknown.

Sema4
Classification: Benign for Hereditary cancer-predisposing syndrome. Last evaluated: 2020-08-18. Review status: criteria provided, single submitter. Criteria: Sema4 Curation Guidelines. Collection method: curation. Allele origin: germline.

Department of Pathology and Laboratory Medicine, Sinai Health System
Classification: Likely benign for Familial adenomatous polyposis 2. Last evaluated: 2019-04-01. Review status: criteria provided, single submitter. Criteria: ACMG Guidelines, 2015. Collection method: research. Allele origin: germline.

Illumina Laboratory Services, Illumina
Classification: Likely benign for Familial adenomatous polyposis 2. Last evaluated: 2018-02-09. Review status: criteria provided, single submitter. Criteria: ICSL Variant Classification Criteria 13 December 2019. Collection method: clinical testing. Allele origin: germline.
Comment: This variant was observed as part of a predisposition screen in an ostensibly healthy population. A literature search was performed for the gene, cDNA change, and amino acid change (where applicable). Publications were found based on this search. The evidence from the literature, in combination with allele frequency data from public databases where available, was sufficient to determine this variant is unlikely to cause disease. Therefore, this variant is classified as likely benign.

Laboratory for Molecular Medicine, Mass General Brigham Personalized Medicine
Classification: Benign. Last evaluated: 2016-03-29. Review status: criteria provided, single submitter. Criteria: LMM Criteria. Collection method: clinical testing. Allele origin: germline.
Comment: Variant identified in a genome or exome case(s) and assessed due to predicted null impact of the variant or pathogenic assertions in the literature or databases. Disclaimer: This variant has not undergone full assessment. The following are preliminary notes: Silent, high frequency

Color Diagnostics, LLC DBA Color Health
Classification: Benign for Hereditary cancer-predisposing syndrome. Last evaluated: 2016-03-21. Review status: criteria provided, single submitter. Criteria: ACMG Guidelines, 2015. Collection method: clinical testing. Allele origin: germline.

PreventionGenetics, part of Exact Sciences
Classification: Benign. Last evaluated: 2016-03-21. Review status: criteria provided, single submitter. Criteria: ACMG Guidelines, 2015. Collection method: clinical testing. Allele origin: germline.

GeneDx
Classification: Benign. Last evaluated: 2015-03-03. Review status: criteria provided, single submitter. Criteria: GeneDx Variant Classification Process June 2021. Collection method: clinical testing. Allele origin: germline. Affected: yes.
Comment: This variant is associated with the following publications: (PMID: 27829682, 27884173, 16774938, 20981092)

Ambry Genetics
Classification: Benign for Hereditary cancer-predisposing syndrome. Last evaluated: 2014-12-17. Review status: criteria provided, single submitter. Criteria: Ambry Variant Classification Scheme 2023. Collection method: clinical testing. Allele origin: germline.

Eurofins Ntd Llc (ga)
Classification: Benign. Last evaluated: 2014-08-21. Review status: criteria provided, single submitter. Criteria: EGL Classification Definitions 2015. Collection method: clinical testing. Allele origin: germline. Observed: 1 variant allele, 1 heterozygote.

Breakthrough Genomics
Classification: Likely benign. Review status: criteria provided, single submitter. Criteria: ACMG Guidelines, 2015. Collection method: not provided. Allele origin: germline. Inheritance: Autosomal recessive inheritance. Affected: yes.

True Health Diagnostics
Classification: Likely benign for Hereditary cancer-predisposing syndrome. Last evaluated: 2017-06-21. Review status: no assertion criteria provided. Collection method: clinical testing. Allele origin: germline. Not counted in ClinVar's aggregate classification.

Clinical Genetics DNA and cytogenetics Diagnostics Lab, Erasmus MC, Erasmus Medical Center
Classification: Benign. Review status: no assertion criteria provided. Collection method: clinical testing. Allele origin: germline. Affected: yes. Study: VKGL Data-share Consensus. Not counted in ClinVar's aggregate classification.

Clinical Genetics, Academic Medical Center
Classification: Likely benign. Review status: no assertion criteria provided. Collection method: clinical testing. Allele origin: germline. Affected: yes. Study: VKGL Data-share Consensus. Not counted in ClinVar's aggregate classification.

Department of Pathology and Laboratory Medicine, Sinai Health System
Classification: Uncertain significance for Carcinoma of colon. Review status: no assertion criteria provided. Collection method: clinical testing. Allele origin: unknown. Affected: yes. Observed: 3 variant alleles. Study: The Canadian Open Genetics Repository (COGR). Not counted in ClinVar's aggregate classification.
Comment: The p.Thr477Thr (c.1431G>C ) variant (alias 1389G>C) has been previously reported in the literature in 14/332 proband chromosomes (frequency 0.048) in individuals affected with either adenomatous polyposis, gastric cancer or colorectal cancer, however controls were not included in these studies (Peterlongo 2006, Tao 2004, Yanaru-Fujisawa 2008). This variant has also been identified in the HGMD and LOVD databases, however it is not expected to have clinical significance because it does not alter an amino acid residue, is not located near a splice junction, and has been reported in dbSNP (ID#:rs74318065), by the 1000 genomes project (frequency 0.016), and ESP project (frequency 0.004). However, there is some conflicting information in the literature. In one study the variant c.1431G > C was found to be in complete linkage disequilibrium with two other MUTYH variants, â€šÃ„Ã¬280G > A and c.36+11C>T (alias IVS1+11C>T). A statistically significant association was demonstrated between one of these variants, c.36+11C>T and increased CRC risk (Tao 2008). This indicates that individuals with the MUTYH â€šÃ„Ã¬ 280A/c.36+11T/c.1431C genotypes may be susceptible to CRC (Tao 2008). However, replication in additional cohorts and additional functional evidence would be required to validate this finding. In summary, based on the above information, the clinical significance of this variant cannot be determined with certainty at this time. Therefore, this variant is classified as a variant of unknown significance (VUS).

Genome Diagnostics Laboratory, Amsterdam University Medical Center
Classification: Benign. Review status: no assertion criteria provided. Collection method: clinical testing. Allele origin: germline. Affected: yes. Study: VKGL Data-share Consensus. Not counted in ClinVar's aggregate classification.

Joint Genome Diagnostic Labs from Nijmegen and Maastricht, Radboudumc and MUMC+
Classification: Likely benign. Review status: no assertion criteria provided. Collection method: clinical testing. Allele origin: germline. Affected: yes. Study: VKGL Data-share Consensus. Not counted in ClinVar's aggregate classification.

Laboratory of Diagnostic Genome Analysis, Leiden University Medical Center (LUMC)
Classification: Likely benign. Review status: no assertion criteria provided. Collection method: clinical testing. Allele origin: germline. Affected: yes. Study: VKGL Data-share Consensus. Not counted in ClinVar's aggregate classification.

Literature cited by the submitters: PubMed 11295288 (cited by Quest Diagnostics Nichols Institute San Juan Capistrano); PubMed 14991577 (cited by Quest Diagnostics Nichols Institute San Juan Capistrano); PubMed 17949294 (cited by Quest Diagnostics Nichols Institute San Juan Capistrano); PubMed 18271935 (cited by Quest Diagnostics Nichols Institute San Juan Capistrano and Illumina Laboratory Services, Illumina); PubMed 15943555 (cited by Quest Diagnostics Nichols Institute San Juan Capistrano); PubMed 18422726 (cited by Quest Diagnostics Nichols Institute San Juan Capistrano); PubMed 16774938 (cited by Quest Diagnostics Nichols Institute San Juan Capistrano and Illumina Laboratory Services, Illumina).

NM_001048174.2(MUTYH):c.1347G>C (p.Thr449=)

Gene: MUTYH (mutY DNA glycosylase; minus strand). Cytogenetic location: 1p34.1.
Variant type: single nucleotide variant.
Coding change: c.1347G>C on transcript NM_001048174.2 (MANE Select); coding-DNA position 1347, G replaced by C.
Protein change: p.Thr449=; no amino-acid change (threonine 449 retained).
Molecular consequence: synonymous variant. On other transcripts: non-coding transcript variant (2).
Genome position (GRCh38, 1-based): chr1:45,331,227, C>G on the plus strand (G>C on the coding strand, the complement: MUTYH is on the minus strand). VCF-style: chr1-45331227-C-G. GRCh37 (hg19) VCF-style: chr1-45796899-C-G.
Other names: p.Thr477=; c.1347G>C, p.Thr449= (NM_001048171.2, NM_001048173.2, NM_001293195.2); c.1350G>C, p.Thr450= (NM_001048172.2); c.1431G>C, p.Thr477= (NM_001128425.2); c.1392G>C, p.Thr464= (NM_001293190.2); c.1380G>C, p.Thr460= (NM_001293191.2); c.1071G>C, p.Thr357= (NM_001293192.2, NM_001293196.2); c.1002G>C, p.Thr334= (NM_001350650.2, NM_001350651.2); and 1 more.
Identifiers: ClinVar variation 183787 (VCV000183787.96), dbSNP rs74318065, ClinGen allele CA012804.
Genomic context (GRCh38, chr1:45,331,227, plus strand): 5'-CAACAAAGGTAGTGCCTTTTTCATGGCGGTGGAAACAGCTGCGGTGTGAAATTCCTCCTG[C>G]GTCAGCCAGCGAGCACCTGGTGGTACGGTGGTCACTGGGGTCTGCCCTTCCAAGGCCAGC-3'
Protein context (NP_001041639.1, residues 439-459): TTVPPGARWL[Thr449=]QEEFHTAAVS